The following is an entry in ClinVar:

NM_033100.4(CDHR1):c.179C>A (p.Thr60Lys)

Gene: CDHR1 (cadherin related family member 1; plus strand). Cytogenetic location: 10q23.1.
Variant type: single nucleotide variant.
Coding change: c.179C>A on transcript NM_033100.4 (MANE Select); coding-DNA position 179, C replaced by A.
Protein change: p.Thr60Lys; replaces threonine 60 with lysine.
Molecular consequence: missense variant.
Genome position (GRCh38, 1-based): chr10:84,196,532, C>A. VCF-style: chr10-84196532-C-A. GRCh37 (hg19) VCF-style: chr10-85956288-C-A.
Other names: c.179C>A, p.Thr60Lys (NM_001171971.3); short protein forms T60K.
Identifiers: ClinVar variation 1346934 (VCV001346934.7), dbSNP rs772896189, ClinGen allele CA5579457.

ClinVar aggregate classification (germline): Uncertain significance. Review status: criteria provided, multiple submitters, no conflicts (2 of 4 stars). 2 submissions from 2 submitters: Uncertain significance (2). Last evaluated 2023-08-16.

Allele frequency attached by ClinVar (database versions not stated): ExAC 0.00001; gnomAD 0.00001; gnomAD exomes 0.00001 and 0.00002.
gnomAD v4.1: 11 of 1,614,108 alleles (0.00068%); highest among the groups gnomAD compares: Non-Finnish European, 0.00085%; no homozygotes.

Submissions (2):

Blueprint Genetics
Classification: Uncertain significance. Last evaluated: 2023-08-16. Review status: criteria provided, single submitter. Criteria: ACMG Guidelines, 2015. Collection method: clinical testing. Allele origin: germline.

Labcorp Genetics (formerly Invitae), Labcorp
Classification: Uncertain significance. Last evaluated: 2021-10-24. Review status: criteria provided, single submitter. Criteria: Invitae Variant Classification Sherloc (09022015). Collection method: clinical testing. Allele origin: germline.
Comment: In summary, the available evidence is currently insufficient to determine the role of this variant in disease. Therefore, it has been classified as a Variant of Uncertain Significance. Advanced modeling of protein sequence and biophysical properties (such as structural, functional, and spatial information, amino acid conservation, physicochemical variation, residue mobility, and thermodynamic stability) performed at Invitae indicates that this missense variant is not expected to disrupt CDHR1 protein function. This variant has not been reported in the literature in individuals affected with CDHR1-related conditions. This variant is present in population databases (rs772896189, ExAC 0.01%). This sequence change replaces threonine with lysine at codon 60 of the CDHR1 protein (p.Thr60Lys). The threonine residue is highly conserved and there is a moderate physicochemical difference between threonine and lysine.